The following is an entry in ClinVar:

NM_020312.4(COQ9):c.741G>A (p.Leu247=)

Gene: COQ9 (coenzyme Q9; plus strand). Cytogenetic location: 16q21.
Variant type: single nucleotide variant.
Coding change: c.741G>A on transcript NM_020312.4 (MANE Select); coding-DNA position 741, G replaced by A.
Protein change: p.Leu247=; no amino-acid change (leucine 247 retained).
Molecular consequence: synonymous variant.
Genome position (GRCh38, 1-based): chr16:57,459,594, G>A. VCF-style: chr16-57459594-G-A. GRCh37 (hg19) VCF-style: chr16-57493506-G-A.
Identifiers: ClinVar variation 739027 (VCV000739027.8), dbSNP rs144686029, ClinGen allele CA8076337.

ClinVar aggregate classification (germline): Likely benign. Review status: criteria provided, single submitter (1 of 4 stars). 2 submissions from 2 submitters: Likely benign (1). 1 of the submissions does not count toward it. Last evaluated 2022-12-25.

Conditions:
COQ9-related disorder. Also called: COQ9-related condition.

Allele frequency attached by ClinVar (database versions not stated): ExAC 0.00001; TOPMed 0.00006; gnomAD 0.00007; gnomAD exomes 0.00001; ESP Exome Variant Server 0.00008.
gnomAD v4.1: 19 of 1,614,056 alleles (0.0012%); highest among the groups gnomAD compares: African/African-American, 0.02%; no homozygotes.

Submissions (2):

Labcorp Genetics (formerly Invitae), Labcorp
Classification: Likely benign. Last evaluated: 2022-12-25. Review status: criteria provided, single submitter. Criteria: Invitae Variant Classification Sherloc (09022015). Collection method: clinical testing. Allele origin: germline.

PreventionGenetics, part of Exact Sciences
Classification: Likely benign for COQ9-related condition. Last evaluated: 2023-02-27. Review status: no assertion criteria provided. Collection method: clinical testing. Allele origin: germline. Not counted in ClinVar's aggregate classification.
Comment: This variant is classified as likely benign based on ACMG/AMP sequence variant interpretation guidelines (Richards et al. 2015 PMID: 25741868, with internal and published modifications).